The following is an entry in ClinVar:

ClinVar aggregate classification (germline): Uncertain significance (1 of 4 stars; one submission).

Conditions:
Wilms tumor 6 (WT6). Also called: WILMS TUMOR 6, SUSCEPTIBILITY TO. Identifiers: Orphanet 654, MedGen C3891301, MONDO:0014779, OMIM 616806.

Allele frequency attached by ClinVar (database versions not stated): gnomAD 0.00001.
gnomAD v4.1: 2 of 1,601,492 alleles (0.00012%); highest among the groups gnomAD compares: East Asian, 0.0022%; no homozygotes.

Submission:

St. Jude Molecular Pathology, St. Jude Children's Research Hospital
Classification: Uncertain significance for Wilms tumor 6. Last evaluated: 2022-01-03. Review status: criteria provided, single submitter. Criteria: St. Jude Assertion Criteria 2020. Collection method: clinical testing. Allele origin: germline.
Comment: The REST c.1882G>A (p.Val628Met) missense change is absent in gnomAD v2.1.1. The in silico tool REVEL predicts a benign effect on protein function, but to our knowledge this prediction has not been confirmed by functional studies. To our knowledge, this variant has not been reported in individuals with Wilms tumor.   In summary, the evidence currently available is insufficient to determine the clinical significance of this variant. It has therefore been classified as of uncertain significance.

NM_005612.5(REST):c.1882G>A (p.Val628Met)

Gene: REST (RE1 silencing transcription factor; plus strand). Cytogenetic location: 4q12.
Variant type: single nucleotide variant.
Coding change: c.1882G>A on transcript NM_005612.5 (MANE Select); coding-DNA position 1882, G replaced by A.
Protein change: p.Val628Met; replaces valine 628 with methionine.
Molecular consequence: missense variant.
Genome position (GRCh38, 1-based): chr4:56,930,740, G>A. VCF-style: chr4-56930740-G-A. GRCh37 (hg19) VCF-style: chr4-57796906-G-A.
Other names: c.1882G>A, p.Val628Met (NM_001193508.2, NM_001363453.3); short protein forms V628M.
Identifiers: ClinVar variation 2444866 (VCV002444866.1), dbSNP rs538702285, ClinGen allele CA97636626.